The following is an entry in ClinVar:

NM_000431.4(MVK):c.629G>A (p.Trp210Ter)

Gene: MVK (mevalonate kinase; plus strand). Cytogenetic location: 12q24.11.
Variant type: single nucleotide variant.
Coding change: c.629G>A on transcript NM_000431.4 (MANE Select); coding-DNA position 629, G replaced by A.
Protein change: p.Trp210Ter; replaces tryptophan 210 with a stop codon.
Molecular consequence: nonsense. On other transcripts: non-coding transcript variant (4).
Genome position (GRCh38, 1-based): chr12:109,586,123, G>A. VCF-style: chr12-109586123-G-A. GRCh37 (hg19) VCF-style: chr12-110023928-G-A.
Other names: c.629G>A, p.Trp210Ter (NM_001114185.3, NM_001414511.1, NM_001414512.1 and 1 more transcripts); c.473G>A, p.Trp158Ter (NM_001301182.2, NM_001414514.1); c.47G>A, p.Trp16Ter (NM_001414515.1); short protein forms W16*, W158*, W210*.
Identifiers: ClinVar variation 2952122 (VCV002952122.3), dbSNP rs2548630750, ClinGen allele CA386647881.

ClinVar aggregate classification (germline): Pathogenic (1 of 4 stars; one submission).

Conditions:
Hyperimmunoglobulin D with periodic fever (HIDS). Also called: Hyperimmunoglobulinemia D; Hyperimmunoglobulinemia D with periodic fever; HYPERIMMUNOGLOBULINEMIA D AND PERIODIC FEVER SYNDROME. Identifiers: Orphanet 343, MedGen C0398691, MONDO:0009849, OMIM 260920.
Porokeratosis 3, disseminated superficial actinic type (POROK3). Also called: POROKERATOSIS, DISSEMINATED SUPERFICIAL ACTINIC, 1; POROKERATOSIS 3, MULTIPLE TYPES; POROKERATOSIS 3, MIBELLI TYPE. Identifiers: MedGen C1867981, MONDO:0008293, OMIM 175900.
Mevalonic aciduria (MEVA). Identifiers: Orphanet 29, MedGen C1959626, MONDO:0012481, OMIM 610377.

Submission:

Labcorp Genetics (formerly Invitae), Labcorp
Classification: Pathogenic for Mevalonic aciduria; Hyperimmunoglobulin D with periodic fever; Porokeratosis 3, disseminated superficial actinic type. Last evaluated: 2023-09-21. Review status: criteria provided, single submitter. Criteria: Invitae Variant Classification Sherloc (09022015). Collection method: clinical testing. Allele origin: germline.
Comment: This variant has not been reported in the literature in individuals affected with MVK-related conditions. This sequence change creates a premature translational stop signal (p.Trp210*) in the MVK gene. It is expected to result in an absent or disrupted protein product. Loss-of-function variants in MVK are known to be pathogenic (PMID: 16835861, 17105862, 23834120). This variant is not present in population databases (gnomAD no frequency). For these reasons, this variant has been classified as Pathogenic.

Literature cited by the submitters: PubMed 16835861; PubMed 17105862; PubMed 23834120.